The following is an entry in ClinVar:

NM_001830.4(CLCN4):c.2161G>C (p.Gly721Arg)

Gene: CLCN4 (chloride voltage-gated channel 4; plus strand). Cytogenetic location: Xp22.2.
Variant type: single nucleotide variant.
Coding change: c.2161G>C on transcript NM_001830.4 (MANE Select); coding-DNA position 2161, G replaced by C.
Protein change: p.Gly721Arg; replaces glycine 721 with arginine.
Molecular consequence: missense variant.
Genome position (GRCh38, 1-based): chrX:10,220,846, G>C. VCF-style: chrX-10220846-G-C. GRCh37 (hg19) VCF-style: chrX-10188886-G-C.
Other names: c.1879G>C, p.Gly627Arg (NM_001256944.2); short protein forms G627R, G721R.
Identifiers: ClinVar variation 2115645 (VCV002115645.4), dbSNP rs2518893136, ClinGen allele CA412044878.

ClinVar aggregate classification (germline): Uncertain significance (1 of 4 stars; one submission).

Submission:

Labcorp Genetics (formerly Invitae), Labcorp
Classification: Uncertain significance. Last evaluated: 2022-10-17. Review status: criteria provided, single submitter. Criteria: Invitae Variant Classification Sherloc (09022015). Collection method: clinical testing. Allele origin: germline.
Comment: This variant is not present in population databases (gnomAD no frequency). This sequence change replaces glycine, which is neutral and non-polar, with arginine, which is basic and polar, at codon 721 of the CLCN4 protein (p.Gly721Arg). This variant has not been reported in the literature in individuals affected with CLCN4-related conditions. Advanced modeling of protein sequence and biophysical properties (such as structural, functional, and spatial information, amino acid conservation, physicochemical variation, residue mobility, and thermodynamic stability) performed at Invitae indicates that this missense variant is expected to disrupt CLCN4 protein function. In summary, the available evidence is currently insufficient to determine the role of this variant in disease. Therefore, it has been classified as a Variant of Uncertain Significance.